The following is an entry in ClinVar:

ClinVar aggregate classification (germline): Uncertain significance (1 of 4 stars; one submission).

Allele frequency attached by ClinVar (database versions not stated): gnomAD 0.00001; TOPMed 0.00002; ExAC 0.00003.
gnomAD v4.1: 22 of 1,613,438 alleles (0.0014%); highest among the groups gnomAD compares: East Asian, 0.0045%; no homozygotes.

Submission:

Ambry Genetics
Classification: Uncertain significance. Last evaluated: 2024-11-25. Review status: criteria provided, single submitter. Criteria: Ambry Variant Classification Scheme 2023. Collection method: clinical testing. Allele origin: germline.
Comment: The p.P1324L variant (also known as c.3971C>T), located in coding exon 18 of the WNK2 gene, results from a C to T substitution at nucleotide position 3971. The proline at codon 1324 is replaced by leucine, an amino acid with similar properties. This amino acid position is conserved. In addition, this alteration is predicted to be tolerated by in silico analysis. Based on the available evidence, the clinical significance of this variant remains unclear.

NM_006648.4(WNK2):c.3971C>T (p.Pro1324Leu)

Gene: WNK2 (WNK lysine deficient protein kinase 2; plus strand). Cytogenetic location: 9q22.31.
Variant type: single nucleotide variant.
Coding change: c.3971C>T on transcript NM_006648.4 (MANE Select); coding-DNA position 3971, C replaced by T.
Protein change: p.Pro1324Leu; replaces proline 1324 with leucine.
Molecular consequence: missense variant.
Genome position (GRCh38, 1-based): chr9:93,268,684, C>T. VCF-style: chr9-93268684-C-T. GRCh37 (hg19) VCF-style: chr9-96030966-C-T.
Other names: c.3971C>T, p.Pro1324Leu (NM_001282394.3); short protein forms P1324L.
Identifiers: ClinVar variation 3190635 (VCV003190635.2), dbSNP rs753326828, ClinGen allele CA5130157.